The following is an entry in ClinVar:

NM_007294.4(BRCA1):c.1752T>A (p.Ala584=)

Gene: BRCA1 (BRCA1 DNA repair associated; minus strand). Cytogenetic location: 17q21.31.
Variant type: single nucleotide variant.
Coding change: c.1752T>A on transcript NM_007294.4 (MANE Select); coding-DNA position 1752, T replaced by A.
Protein change: p.Ala584=; no amino-acid change (alanine 584 retained).
Molecular consequence: synonymous variant. On other transcripts: intron variant (137).
Genome position (GRCh38, 1-based): chr17:43,093,779, A>T on the plus strand (T>A on the coding strand, the complement: BRCA1 is on the minus strand). VCF-style: chr17-43093779-A-T. GRCh37 (hg19) VCF-style: chr17-41245796-A-T.
Other names: c.1611T>A, p.Ala537= (NM_001407738.1, NM_001407739.1, NM_001407750.1 and 29 more transcripts); c.1608T>A, p.Ala536= (NM_001407740.1, NM_001407741.1, NM_001407742.1 and 20 more transcripts); c.1539T>A, p.Ala513= (NM_001407853.1, NM_001407894.1, NM_001407895.1 and 9 more transcripts); c.1752T>A, p.Ala584= (NM_001407854.1, NM_001407858.1, NM_001407859.1 and 30 more transcripts); c.1749T>A, p.Ala583= (NM_001407860.1, NM_001407861.1, NM_001407587.1 and 22 more transcripts); c.1551T>A, p.Ala517= (NM_001407862.1); c.1629T>A, p.Ala543= (NM_001407863.1, NM_001407919.1, NM_001407937.1 and 19 more transcripts); c.1548T>A, p.Ala516= (NM_001407874.1, NM_001407875.1); and 40 more.
Identifiers: ClinVar variation 820005 (VCV000820005.9), dbSNP rs1597874399, ClinGen allele CA500232845.
Genomic context (GRCh38, chr17:43,093,779, plus strand): 5'-TTTTGAATTGTGGATATTTAATTCGAGTTCCATATTGCTTATACTGCTGCTTATAGGTTC[A>T]GCTTTCGTTTTGAAAGCAGATTCTTTTTCGAGTGATTCTATTGGGTTAGGATTTTTCTCA-3'
Protein context (NP_009225.1, residues 574-594): LEKESAFKTK[Ala584=]EPISSSISNM

ClinVar aggregate classification (germline): Likely benign. Review status: criteria provided, multiple submitters, no conflicts (2 of 4 stars). 2 submissions from 2 submitters: Likely benign (2). Last evaluated 2026-01-01.

Conditions:
Hereditary cancer-predisposing syndrome. Also called: Tumor predisposition; Hereditary neoplastic syndrome; Neoplastic Syndromes, Hereditary; Hereditary Cancer Syndrome. Identifiers: Orphanet 140162, MedGen C0027672, MeSH D009386, MONDO:0015356.

Submissions (2):

CeGaT Center for Human Genetics Tuebingen
Classification: Likely benign. Last evaluated: 2026-01-01. Review status: criteria provided, single submitter. Criteria: CeGaT Center For Human Genetics Tuebingen Variant Classification Criteria Version 2. Collection method: clinical testing. Allele origin: germline. Affected: yes. Observed: 1 variant allele.
Comment: BRCA1: PM2:Supporting, BP4, BP7

Ambry Genetics
Classification: Likely benign for Hereditary cancer-predisposing syndrome. Last evaluated: 2019-08-20. Review status: criteria provided, single submitter. Criteria: Ambry Variant Classification Scheme 2023. Collection method: clinical testing. Allele origin: germline.